The following is an entry in ClinVar:

ClinVar aggregate classification (germline): Uncertain significance (1 of 4 stars; one submission).

Conditions:
Neuropathy, hereditary sensory, type 1F. Also called: HSN IF; Hereditary sensory neuropathy type IF. Identifiers: Orphanet 36386, MedGen C3810194, MONDO:0014286, OMIM 615632.

Allele frequency attached by ClinVar (database versions not stated): gnomAD exomes below 0.00001.
gnomAD v4.1: 1 of 1,614,212 alleles (0.000062%); highest among the groups gnomAD compares: Non-Finnish European, 0.000085%; no homozygotes.

Submission:

Labcorp Genetics (formerly Invitae), Labcorp
Classification: Uncertain significance for Neuropathy, hereditary sensory, type 1F. Last evaluated: 2022-04-18. Review status: criteria provided, single submitter. Criteria: Invitae Variant Classification Sherloc (09022015). Collection method: clinical testing. Allele origin: germline.
Comment: This sequence change replaces cysteine, which is neutral and slightly polar, with tyrosine, which is neutral and polar, at codon 429 of the ATL3 protein (p.Cys429Tyr). In summary, the available evidence is currently insufficient to determine the role of this variant in disease. Therefore, it has been classified as a Variant of Uncertain Significance. Algorithms developed to predict the effect of missense changes on protein structure and function are either unavailable or do not agree on the potential impact of this missense change (SIFT: "Tolerated"; PolyPhen-2: "Possibly Damaging"; Align-GVGD: "Class C0"). This variant has not been reported in the literature in individuals affected with ATL3-related conditions. This variant is not present in population databases (gnomAD no frequency).

NM_015459.5(ATL3):c.1286G>A (p.Cys429Tyr)

Genes: ATL3 (atlastin GTPase 3; minus strand), LNCROPM (lncRNA regulator of PLAAT3 mediated phospholipid metabolism; plus strand), LOC126861231 (CDK7 strongly-dependent group 2 enhancer GRCh37_chr11:63398741-63399940; plus strand). Cytogenetic location: 11q13.1.
Variant type: single nucleotide variant.
Coding change: c.1286G>A on transcript NM_015459.5 (MANE Select); coding-DNA position 1286, G replaced by A.
Protein change: p.Cys429Tyr; replaces cysteine 429 with tyrosine.
Molecular consequence: missense variant.
Genome position (GRCh38, 1-based): chr11:63,631,293, C>T on the plus strand (G>A on the coding strand, the complement: ATL3 is on the minus strand). VCF-style: chr11-63631293-C-T. GRCh37 (hg19) VCF-style: chr11-63398765-C-T.
Other names: c.1232G>A, p.Cys411Tyr (NM_001290048.2); short protein forms C411Y, C429Y.
Identifiers: ClinVar variation 2189669 (VCV002189669.4), dbSNP rs2495621482, ClinGen allele CA381025266.